The following is an entry in ClinVar:

ClinVar aggregate classification (germline): Uncertain significance. Review status: criteria provided, single submitter (1 of 4 stars). 2 submissions from 2 submitters: Uncertain significance (1). 1 of the submissions does not count toward it. Last evaluated 2024-03-19.

Conditions:
Hereditary cancer-predisposing syndrome. Also called: Hereditary Cancer Syndrome; Hereditary neoplastic syndrome; Neoplastic Syndromes, Hereditary; Tumor predisposition. Identifiers: Orphanet 140162, MedGen C0027672, MeSH D009386, MONDO:0015356.
EPCAM-related disorder. Also called: EPCAM-related condition.

gnomAD v4.1: 15 of 1,602,736 alleles (0.00094%); highest among the groups gnomAD compares: Non-Finnish European, 0.0013%; no homozygotes.

Submissions (2):

Ambry Genetics
Classification: Uncertain significance for Hereditary cancer-predisposing syndrome. Last evaluated: 2024-03-19. Review status: criteria provided, single submitter. Criteria: Ambry Variant Classification Scheme 2023. Collection method: clinical testing. Allele origin: germline.
Comment: The p.A314T variant (also known as c.940G>A), located in coding exon 9 of the EPCAM gene, results from a G to A substitution at nucleotide position 940. The alanine at codon 314 is replaced by threonine, an amino acid with similar properties. This amino acid position is conserved. In addition, this alteration is predicted to be tolerated by in silico analysis. Since supporting evidence is limited at this time, the clinical significance of this alteration remains unclear.

PreventionGenetics, part of Exact Sciences
Classification: Uncertain significance for EPCAM-related condition. Last evaluated: 2024-08-30. Review status: no assertion criteria provided. Collection method: clinical testing. Allele origin: germline. Not counted in ClinVar's aggregate classification.
Comment: The EPCAM c.940G>A variant is predicted to result in the amino acid substitution p.Ala314Thr. To our knowledge, this variant has not been reported in the literature or in gnomAD, indicating this variant is rare. This variants is classified as a variant of uncertain significance in ClinVar. At this time, the clinical significance of this variant is uncertain due to the absence of conclusive functional and genetic evidence.

NM_002354.3(EPCAM):c.940G>A (p.Ala314Thr)

Gene: EPCAM (epithelial cell adhesion molecule; plus strand). Cytogenetic location: 2p21.
Variant type: single nucleotide variant.
Coding change: c.940G>A on transcript NM_002354.3 (MANE Select); coding-DNA position 940, G replaced by A.
Protein change: p.Ala314Thr; replaces alanine 314 with threonine.
Molecular consequence: missense variant.
Genome position (GRCh38, 1-based): chr2:47,386,608, G>A. VCF-style: chr2-47386608-G-A. GRCh37 (hg19) VCF-style: chr2-47613747-G-A.
Other names: short protein forms A314T.
Identifiers: ClinVar variation 1766882 (VCV001766882.3), dbSNP rs959971996, ClinGen allele CA46650233.